The following is an entry in ClinVar:

NM_001128178.3(NPHP1):c.406G>T (p.Ala136Ser)

Gene: NPHP1 (nephrocystin 1; minus strand). Cytogenetic location: 2q13.
Variant type: single nucleotide variant.
Coding change: c.406G>T on transcript NM_001128178.3 (MANE Select); coding-DNA position 406, G replaced by T.
Protein change: p.Ala136Ser; replaces alanine 136 with serine.
Molecular consequence: missense variant.
Genome position (GRCh38, 1-based): chr2:110,169,922, C>A on the plus strand (G>T on the coding strand, the complement: NPHP1 is on the minus strand). VCF-style: chr2-110169922-C-A. GRCh37 (hg19) VCF-style: chr2-110927499-C-A.
Other names: c.406G>T, p.Ala136Ser (NM_000272.5, NM_001374256.1, NM_001374257.1 and 1 more transcripts); c.220G>T, p.Ala74Ser (NM_001128179.3); short protein forms A74S, A136S.
Identifiers: ClinVar variation 4986673 (VCV004986673.1).

ClinVar aggregate classification (germline): Uncertain significance (1 of 4 stars; one submission).

Conditions:
NPHP1-related disorder. Also called: NPHP1-related condition; NPHP1-related disorders.

gnomAD v4.1: 5 of 1,605,556 alleles (0.00031%); highest among the groups gnomAD compares: Admixed American, 0.0083%; no homozygotes.

Submission:

PreventionGenetics, part of Exact Sciences
Classification: Uncertain significance for NPHP1-related condition. Last evaluated: 2025-12-09. Review status: criteria provided, single submitter. Criteria: ACMG Guidelines, 2015. Collection method: clinical testing. Allele origin: germline.
Comment: The NPHP1 c.406G>T variant is predicted to result in the amino acid substitution p.Ala136Ser. To our knowledge, this variant has not been reported in the literature or in a large population database (gnomAD), indicating this variant is rare. At this time, the clinical significance of this variant is uncertain due to the absence of conclusive functional and genetic evidence.